The following is an entry in ClinVar:

NM_001371928.1(AHDC1):c.1981C>T (p.Arg661Cys)

Gene: AHDC1 (AT-hook DNA binding motif containing 1; minus strand). Cytogenetic location: 1p36.11.
Variant type: single nucleotide variant.
Coding change: c.1981C>T on transcript NM_001371928.1 (MANE Select); coding-DNA position 1981, C replaced by T.
Protein change: p.Arg661Cys; replaces arginine 661 with cysteine.
Molecular consequence: missense variant.
Genome position (GRCh38, 1-based): chr1:27,550,135, G>A on the plus strand (C>T on the coding strand, the complement: AHDC1 is on the minus strand). VCF-style: chr1-27550135-G-A. GRCh37 (hg19) VCF-style: chr1-27876646-G-A.
Other names: c.1981C>T, p.Arg661Cys (NM_001029882.3); short protein forms R661C.
Identifiers: ClinVar variation 3895673 (VCV003895673.1).

ClinVar aggregate classification (germline): Uncertain significance (1 of 4 stars; one submission).

gnomAD v4.1: 4 of 1,610,624 alleles (0.00025%); highest among the groups gnomAD compares: Non-Finnish European, 0.00025%; no homozygotes.

Submission:

Women's Health and Genetics/Laboratory Corporation of America, LabCorp
Classification: Uncertain significance. Last evaluated: 2025-03-13. Review status: criteria provided, single submitter. Criteria: LabCorp Variant Classification Summary - May 2015. Collection method: clinical testing. Allele origin: germline.
Comment: Variant summary: AHDC1 c.1981C>T (p.Arg661Cys) results in a non-conservative amino acid change in the encoded protein sequence. Four of five in-silico tools predict a damaging effect of the variant on protein function. The variant was absent in 246792 control chromosomes. The available data on variant occurrences in the general population are insufficient to allow any conclusion about variant significance. To our knowledge, no occurrence of c.1981C>T in individuals affected with Xia-Gibbs Syndrome and no experimental evidence demonstrating its impact on protein function have been reported. No submitters have cited clinical-significance assessments for this variant to ClinVar. Based on the evidence outlined above, the variant was classified as uncertain significance.